The following is an entry in ClinVar:

ClinVar aggregate classification (germline): Conflicting classifications of pathogenicity. Review status: criteria provided, conflicting classifications (1 of 4 stars). 2 submissions from 2 submitters: Uncertain significance (1); Likely benign (1). Last evaluated 2025-01-27.

Conditions:
Cardiovascular phenotype. Identifiers: MedGen CN230736.

Allele frequency attached by ClinVar (database versions not stated): gnomAD exomes below 0.00001 and 0.00002; ExAC 0.00002; TOPMed 0.00003; gnomAD 0.00005.
gnomAD v4.1: 12 of 1,612,566 alleles (0.00074%); highest among the groups gnomAD compares: African/African-American, 0.015%; no homozygotes.

Submissions (2):

Labcorp Genetics (formerly Invitae), Labcorp
Classification: Uncertain significance. Last evaluated: 2025-01-27. Review status: criteria provided, single submitter. Criteria: Invitae Variant Classification Sherloc (09022015). Collection method: clinical testing. Allele origin: germline.
Comment: This sequence change replaces alanine, which is neutral and non-polar, with valine, which is neutral and non-polar, at codon 434 of the ALPK3 protein (p.Ala434Val). This variant is present in population databases (rs777917827, gnomAD 0.02%). This variant has not been reported in the literature in individuals affected with ALPK3-related conditions. ClinVar contains an entry for this variant (Variation ID: 1404602). Invitae Evidence Modeling of protein sequence and biophysical properties (such as structural, functional, and spatial information, amino acid conservation, physicochemical variation, residue mobility, and thermodynamic stability) indicates that this missense variant is not expected to disrupt ALPK3 protein function with a negative predictive value of 80%. In summary, the available evidence is currently insufficient to determine the role of this variant in disease. Therefore, it has been classified as a Variant of Uncertain Significance.

Ambry Genetics
Classification: Likely benign for Cardiovascular phenotype. Last evaluated: 2022-07-18. Review status: criteria provided, single submitter. Criteria: Ambry Variant Classification Scheme 2023. Collection method: clinical testing. Allele origin: germline.

NM_020778.5(ALPK3):c.695C>T (p.Ala232Val)

Gene: ALPK3 (alpha kinase 3; plus strand). Cytogenetic location: 15q25.3.
Variant type: single nucleotide variant.
Coding change: c.695C>T on transcript NM_020778.5 (MANE Select); coding-DNA position 695, C replaced by T.
Protein change: p.Ala232Val; replaces alanine 232 with valine.
Molecular consequence: missense variant.
Genome position (GRCh38, 1-based): chr15:84,839,974, C>T. VCF-style: chr15-84839974-C-T. GRCh37 (hg19) VCF-style: chr15-85383205-C-T.
Other names: short protein forms A232V.
Identifiers: ClinVar variation 1404602 (VCV001404602.9), dbSNP rs777917827, ClinGen allele CA7709047.